The following is an entry in ClinVar:

NM_006015.6(ARID1A):c.5012G>A (p.Arg1671Gln)

Gene: ARID1A (AT-rich interaction domain 1A; plus strand). Cytogenetic location: 1p36.11.
Variant type: single nucleotide variant.
Coding change: c.5012G>A on transcript NM_006015.6 (MANE Select); coding-DNA position 5012, G replaced by A.
Protein change: p.Arg1671Gln; replaces arginine 1671 with glutamine.
Molecular consequence: missense variant.
Genome position (GRCh38, 1-based): chr1:26,775,595, G>A. VCF-style: chr1-26775595-G-A. GRCh37 (hg19) VCF-style: chr1-27102086-G-A.
Other names: c.5012G>A (NM_006015.4); c.4361G>A, p.Arg1454Gln (NM_139135.4); short protein forms R1454Q, R1671Q.
Identifiers: ClinVar variation 1509175 (VCV001509175.7), dbSNP rs773047184, ClinGen allele CA707585.

ClinVar aggregate classification (germline): Uncertain significance. Review status: criteria provided, single submitter (1 of 4 stars). 2 submissions from 2 submitters: Uncertain significance (1). 1 of the submissions does not count toward it. Last evaluated 2022-06-03.

Conditions:
ARID1A-related disorder. Also called: ARID1A-related condition.

Allele frequency attached by ClinVar (database versions not stated): gnomAD exomes below 0.00001 and 0.00001; ExAC 0.00001.
gnomAD v4.1: 8 of 1,614,096 alleles (0.0005%); highest among the groups gnomAD compares: South Asian, 0.0033%; no homozygotes.

Submissions (2):

Labcorp Genetics (formerly Invitae), Labcorp
Classification: Uncertain significance. Last evaluated: 2022-06-03. Review status: criteria provided, single submitter. Criteria: Invitae Variant Classification Sherloc (09022015). Collection method: clinical testing. Allele origin: germline.
Comment: In summary, the available evidence is currently insufficient to determine the role of this variant in disease. Therefore, it has been classified as a Variant of Uncertain Significance. Advanced modeling of protein sequence and biophysical properties (such as structural, functional, and spatial information, amino acid conservation, physicochemical variation, residue mobility, and thermodynamic stability) performed at Invitae indicates that this missense variant is expected to disrupt ARID1A protein function. ClinVar contains an entry for this variant (Variation ID: 1509175). This variant has not been reported in the literature in individuals affected with ARID1A-related conditions. The frequency data for this variant in the population databases is considered unreliable, as metrics indicate poor data quality at this position in the gnomAD database. This sequence change replaces arginine, which is basic and polar, with glutamine, which is neutral and polar, at codon 1671 of the ARID1A protein (p.Arg1671Gln).

PreventionGenetics, part of Exact Sciences
Classification: Uncertain significance for ARID1A-related condition. Last evaluated: 2024-08-05. Review status: no assertion criteria provided. Collection method: clinical testing. Allele origin: germline. Not counted in ClinVar's aggregate classification.
Comment: The ARID1A c.5012G>A variant is predicted to result in the amino acid substitution p.Arg1671Gln. This variant has been reported as a somatic alternation in an individual with diffuse large B-cell lymphoma (Table 2. Bastos‑Oreiro et al. 2021. PubMed ID: 34819573) and in an individual with ovarian carcinoma (Supplementary Table 5. Porkka et al. 2017. PubMed ID: 29296220). This variant is reported in 0.00088% of alleles in individuals of European (Non-Finnish) descent in gnomAD. At this time, the clinical significance of this variant is uncertain due to the absence of conclusive functional and genetic evidence.